The following is an entry in ClinVar:

ClinVar aggregate classification (germline): Uncertain significance. Review status: criteria provided, multiple submitters, no conflicts (2 of 4 stars). 4 submissions from 4 submitters: Uncertain significance (4). Last evaluated 2024-11-01.

Conditions:
Familial thoracic aortic aneurysm and aortic dissection (TAAD). Also called: Thoracic aortic aneurysms and dissections. Identifiers: Orphanet 91387, MedGen C4707243, MONDO:0019625.

Allele frequency attached by ClinVar (database versions not stated): ExAC 0.00001; gnomAD exomes 0.00001; TOPMed 0.00001.
gnomAD v4.1: 13 of 1,612,556 alleles (0.00081%); highest among the groups gnomAD compares: East Asian, 0.0022%; no homozygotes.

Submissions (4):

CeGaT Center for Human Genetics Tuebingen
Classification: Uncertain significance. Last evaluated: 2024-11-01. Review status: criteria provided, single submitter. Criteria: CeGaT Center For Human Genetics Tuebingen Variant Classification Criteria Version 2. Collection method: clinical testing. Allele origin: germline. Affected: yes. Observed: 1 variant allele.
Comment: MYH11: PM2

All of Us Research Program, National Institutes of Health
Classification: Uncertain significance for Familial thoracic aortic aneurysm and aortic dissection. Last evaluated: 2024-09-18. Review status: criteria provided, single submitter. Criteria: ACMG Guidelines, 2015. Collection method: clinical testing. Allele origin: germline. Inheritance: Autosomal dominant inheritance. Observed: 3 variant alleles, 3 heterozygotes.
Comment: Variant of Uncertain Significance due to insufficient evidence: This missense variant is located in the coiled coil myosin tail of the MYH11 protein. Computational prediction tools and conservation analyses suggest that this variant may have deleterious impact on the protein function. Computational splicing tools suggest that this variant may not impact RNA splicing. To our knowledge, functional assays have not been performed for this variant nor has this variant been reported in individuals affected with cardiovascular disorders in the literature. This variant has been identified in 2/245132 chromosomes in the general population by the Genome Aggregation Database (gnomAD). Available evidence is insufficient to determine the pathogenicity of this variant conclusively.

This study involves interpretation of variants in research participants for the purpose of population health screening. Participant phenotype was not available at the time of variant classification. Additional details can be found in publication PMID: 35346344, PMCID: PMC8962531

Color Diagnostics, LLC DBA Color Health
Classification: Uncertain significance for Familial thoracic aortic aneurysm and aortic dissection. Last evaluated: 2024-03-06. Review status: criteria provided, single submitter. Criteria: ACMG Guidelines, 2015. Collection method: clinical testing. Allele origin: germline.
Comment: This missense variant replaces arginine with glutamine at codon 919 of the MYH11 protein. Computational prediction suggests that this variant may have deleterious impact on protein structure and function (internally defined REVEL score threshold >= 0.7, PMID: 27666373). To our knowledge, functional studies have not been reported for this variant. This variant has not been reported in individuals affected with MYH11-related disorders in the literature. This variant has been identified in 2/250344 chromosomes in the general population by the Genome Aggregation Database (gnomAD). The available evidence is insufficient to determine the role of this variant in disease conclusively. Therefore, this variant is classified as a Variant of Uncertain Significance.

Ambry Genetics
Classification: Uncertain significance for Familial thoracic aortic aneurysm and aortic dissection. Last evaluated: 2020-11-12. Review status: criteria provided, single submitter. Criteria: Ambry Variant Classification Scheme 2023. Collection method: clinical testing. Allele origin: germline.
Comment: The p.R912Q variant (also known as c.2735G>A), located in coding exon 21 of the MYH11 gene, results from a G to A substitution at nucleotide position 2735. The arginine at codon 912 is replaced by glutamine, an amino acid with highly similar properties. This amino acid position is highly conserved in available vertebrate species. In addition, this alteration is predicted to be deleterious by in silico analysis. Since supporting evidence is limited at this time, the clinical significance of this alteration remains unclear.

NM_002474.3(MYH11):c.2735G>A (p.Arg912Gln)

Gene: MYH11 (myosin heavy chain 11; minus strand). Cytogenetic location: 16p13.11.
Variant type: single nucleotide variant.
Coding change: c.2735G>A on transcript NM_002474.3 (MANE Select); coding-DNA position 2735, G replaced by A.
Protein change: p.Arg912Gln; replaces arginine 912 with glutamine.
Molecular consequence: missense variant.
Genome position (GRCh38, 1-based): chr16:15,741,587, C>T on the plus strand (G>A on the coding strand, the complement: MYH11 is on the minus strand). VCF-style: chr16-15741587-C-T. GRCh37 (hg19) VCF-style: chr16-15835444-C-T.
Other names: c.2756G>A, p.Arg919Gln (NM_001040113.2, NM_001040114.2); c.2735G>A, p.Arg912Gln (NM_022844.3); short protein forms R912Q, R919Q.
Identifiers: ClinVar variation 921463 (VCV000921463.23), dbSNP rs768392407, ClinGen allele CA7922180.